The following is an entry in ClinVar:

ClinVar aggregate classification (germline): Likely pathogenic (1 of 4 stars; one submission).

Conditions:
Dilated cardiomyopathy 1G (CMD1G). Identifiers: Orphanet 154, MedGen C1858763, MONDO:0011400, OMIM 604145.
Autosomal recessive limb-girdle muscular dystrophy type 2J (LGMDR10). Also called: Limb-girdle muscular dystrophy, type 2J; MUSCULAR DYSTROPHY, LIMB-GIRDLE, AUTOSOMAL RECESSIVE 10. Identifiers: Orphanet 140922, MedGen C1837342, MONDO:0012127, OMIM 608807.

gnomAD v4.1: 1 of 1,611,670 alleles (0.000062%); highest among the groups gnomAD compares: East Asian, 0.0022%; no homozygotes.

Submission:

Labcorp Genetics (formerly Invitae), Labcorp
Classification: Likely pathogenic for Dilated cardiomyopathy 1G; Autosomal recessive limb-girdle muscular dystrophy type 2J. Last evaluated: 2024-04-15. Review status: criteria provided, single submitter. Criteria: Invitae Variant Classification Sherloc (09022015). Collection method: clinical testing. Allele origin: germline.
Comment: This sequence change affects a donor splice site in intron 100 of the TTN gene. It is expected to disrupt RNA splicing and likely results in a truncated or disrupted TTN protein. This variant is present in population databases (no rsID available, gnomAD 0.006%). This variant has not been reported in the literature in individuals affected with TTN-related conditions. Algorithms developed to predict the effect of sequence changes on RNA splicing suggest that this variant may disrupt the consensus splice site. This variant is located in the I band of TTN (PMID: 25589632). Truncating variants in this region have been reported in individuals affected with autosomal recessive centronuclear myopathy (PMID: 23975875, Invitae internal data). Truncating variants in this region have also been identified in individuals affected with autosomal dominant dilated cardiomyopathy and/or cardio-related conditions (PMID: 27869827, 32964742, Invitae internal data). In summary, the currently available evidence indicates that the variant is pathogenic, but additional data are needed to prove that conclusively. Therefore, this variant has been classified as Likely Pathogenic.

Literature cited by the submitters: PubMed 25589632; PubMed 23975875; PubMed 27869827; PubMed 32964742.

NM_001267550.2(TTN):c.29041+1G>C

Gene: TTN (titin; minus strand). Cytogenetic location: 2q31.2.
Variant type: single nucleotide variant.
Coding change: c.29041+1G>C on transcript NM_001267550.2 (MANE Select); the canonical splice donor site of the intron after coding-DNA position 29041, G replaced by C.
Molecular consequence: splice donor variant. On other transcripts: intron variant (3).
Genome position (GRCh38, 1-based): chr2:178,707,525, C>G on the plus strand (G>C on the coding strand, the complement: TTN is on the minus strand). VCF-style: chr2-178707525-C-G. GRCh37 (hg19) VCF-style: chr2-179572252-C-G.
Other names: c.13282+30557G>C (NM_003319.4); c.13858+30557G>C (NM_133437.4); c.13657+30557G>C (NM_133432.3); c.25309+1G>C (NM_133378.4); c.28090+1G>C (NM_001256850.1).
Identifiers: ClinVar variation 3755865 (VCV003755865.2).
Genomic context (GRCh38, chr2:178,707,525, plus strand): 5'-AAGCAAATAAACATGAGTGGTTGCTGGCTTGAGCTGCATAATACTTTTGAGGTGTCTGTA[C>G]CTTTAATGGTCACTTTTGATTTGGTAGTGTCACTTCCAGCCACATTTGAAGCTTTACACA-3'